The following is an entry in ClinVar:

NM_000059.4(BRCA2):c.7454A>T (p.Gln2485Leu)

Gene: BRCA2 (BRCA2 DNA repair associated; plus strand). Cytogenetic location: 13q13.1.
Variant type: single nucleotide variant.
Coding change: c.7454A>T on transcript NM_000059.4 (MANE Select); coding-DNA position 7454, A replaced by T.
Protein change: p.Gln2485Leu; replaces glutamine 2485 with leucine.
Molecular consequence: missense variant. On other transcripts: non-coding transcript variant (1).
Genome position (GRCh38, 1-based): chr13:32,356,446, A>T. VCF-style: chr13-32356446-A-T. GRCh37 (hg19) VCF-style: chr13-32930583-A-T.
Other names: c.7358A>T, p.Gln2453Leu (NM_001406719.1); c.7454A>T, p.Gln2485Leu (NM_001406720.1, NM_001432077.1); c.2522A>T, p.Gln841Leu (NM_001406721.1); c.1037A>T, p.Gln346Leu (NM_001406722.1); short protein forms Q2485L, Q841L, Q2453L, Q346L.
Identifiers: ClinVar variation 3636522 (VCV003636522.2).

ClinVar aggregate classification (germline): Uncertain significance (1 of 4 stars; one submission).

Conditions:
Hereditary breast ovarian cancer syndrome. Also called: Hereditary breast and ovarian cancer syndrome; Hereditary breast and ovarian cancer syndrome (HBOC); BRCA1- and BRCA2-Associated Hereditary Breast and Ovarian Cancer; Hereditary breast and ovarian cancer; Breast and ovarian cancer; Hereditary breast and/or ovarian cancer syndrome. Identifiers: Orphanet 145, MedGen C0677776, MeSH D061325, MONDO:0003582. Disease mechanism: loss of function.

Submission:

Labcorp Genetics (formerly Invitae), Labcorp
Classification: Uncertain significance for Hereditary breast ovarian cancer syndrome. Last evaluated: 2024-06-09. Review status: criteria provided, single submitter. Criteria: Invitae Variant Classification Sherloc (09022015). Collection method: clinical testing. Allele origin: germline.
Comment: This sequence change replaces glutamine, which is neutral and polar, with leucine, which is neutral and non-polar, at codon 2485 of the BRCA2 protein (p.Gln2485Leu). This variant is not present in population databases (gnomAD no frequency). This variant has not been reported in the literature in individuals affected with BRCA2-related conditions. Advanced modeling of protein sequence and biophysical properties (such as structural, functional, and spatial information, amino acid conservation, physicochemical variation, residue mobility, and thermodynamic stability) performed at Invitae indicates that this missense variant is not expected to disrupt BRCA2 protein function with a negative predictive value of 95%. Algorithms developed to predict the effect of sequence changes on RNA splicing suggest that this variant may create or strengthen a splice site. In summary, the available evidence is currently insufficient to determine the role of this variant in disease. Therefore, it has been classified as a Variant of Uncertain Significance.